The following is an entry in ClinVar:

ClinVar aggregate classification (germline): Uncertain significance (1 of 4 stars; one submission).

Allele frequency attached by ClinVar (database versions not stated): gnomAD 0.00001; 1000 Genomes Project 30x 0.00031.

Submission:

Labcorp Genetics (formerly Invitae), Labcorp
Classification: Uncertain significance. Last evaluated: 2023-10-06. Review status: criteria provided, single submitter. Criteria: Invitae Variant Classification Sherloc (09022015). Collection method: clinical testing. Allele origin: germline.
Comment: This sequence change falls in intron 24 of the PIEZO2 gene. It does not directly change the encoded amino acid sequence of the PIEZO2 protein. It affects a nucleotide within the consensus splice site. This variant is not present in population databases (gnomAD no frequency). This variant has not been reported in the literature in individuals affected with PIEZO2-related conditions. Variants that disrupt the consensus splice site are a relatively common cause of aberrant splicing (PMID: 17576681, 9536098). Algorithms developed to predict the effect of sequence changes on RNA splicing suggest that this variant may disrupt the consensus splice site. In summary, the available evidence is currently insufficient to determine the role of this variant in disease. Therefore, it has been classified as a Variant of Uncertain Significance.

Literature cited by the submitters: PubMed 17576681; PubMed 9536098.

NM_001378183.1(PIEZO2):c.3757+2dup

Gene: PIEZO2 (piezo type mechanosensitive ion channel component 2; minus strand). Cytogenetic location: 18p11.22.
Variant type: Duplication.
Coding change: c.3757+2dup on transcript NM_001378183.1 (MANE Select); the canonical splice donor site of the intron after coding-DNA position 3757, one base duplicated (T; older notation c.3757+2dupT).
Molecular consequence: splice donor variant.
Genome position (GRCh38, 1-based): chr18:10,759,480, A duplicated on the plus strand (T on the coding strand, the reverse complement: PIEZO2 is on the minus strand). VCF-style (leftmost placement, unchanged base first): chr18-10759479-T-TA. GRCh37 (hg19) VCF-style: chr18-10759477-T-TA.
Other names: c.3682+2dup (NM_022068.4); c.3757+2dup (NM_001410871.1).
Identifiers: ClinVar variation 2766459 (VCV002766459.3), dbSNP rs2143842257, ClinGen allele CA2576456496.
Genomic context (GRCh38, chr18:10,759,479, plus strand): 5'-GAACAATGATTAACAGTAAACCCGGATACCAGCACTCTGTGGCCCTGCAGTGGAAACACT[T>TA]ACAGACGAGAAACACAGGGTTGGGCCGCACAATGAAATCTGGGAAGTACAGCCACTTTAT-3'